The following is an entry in ClinVar:

NM_001011548.1(MAGEA4):c.231C>T (p.Ser77=)

Gene: MAGEA4 (MAGE family member A4; plus strand). Cytogenetic location: Xq28.
Variant type: single nucleotide variant.
Coding change: c.231C>T on transcript NM_001011548.1 (MANE Select); coding-DNA position 231, C replaced by T.
Protein change: p.Ser77=; no amino-acid change (serine 77 retained).
Molecular consequence: synonymous variant.
Genome position (GRCh38, 1-based): chrX:151,923,895, C>T. VCF-style: chrX-151923895-C-T. GRCh37 (hg19) VCF-style: chrX-151092367-C-T.
Other names: c.231C>T, p.Ser77= (NM_001011549.1, NM_001011550.1, NM_001386196.1 and 8 more transcripts).
Identifiers: ClinVar variation 2661655 (VCV002661655.24), dbSNP rs374428401, ClinGen allele CA10542154.
Genomic context (GRCh38, chrX:151,923,895, plus strand): 5'-TGAGTCAGCAGGTCCTCCCCAGAGTCCTCAGGGAGCCTCTGCCTTACCCACTACCATCAG[C>T]TTCACTTGCTGGAGGCAACCCAATGAGGGTTCCAGCAGCCAAGAAGAGGAGGGGCCAAGC-3'
Protein context (NP_001011548.1, residues 67-87): QGASALPTTI[Ser77=]FTCWRQPNEG

ClinVar aggregate classification (germline): Likely benign (1 of 4 stars; one submission).

Allele frequency attached by ClinVar (database versions not stated): TOPMed 0.00004; ExAC 0.00005; gnomAD 0.00005; gnomAD exomes 0.00007; ESP Exome Variant Server 0.00009.
gnomAD v4.1: 82 of 1,209,939 alleles (0.0068%); highest among the groups gnomAD compares: Non-Finnish European, 0.0088%; no homozygotes.

Submission:

CeGaT Center for Human Genetics Tuebingen
Classification: Likely benign. Last evaluated: 2023-04-01. Review status: criteria provided, single submitter. Criteria: CeGaT Center For Human Genetics Tuebingen Variant Classification Criteria Version 2. Collection method: clinical testing. Allele origin: germline. Affected: yes. Observed: 1 variant allele.
Comment: MAGEA4: BP4, BP7, BS2